The following is an entry in ClinVar:

NM_001458.5(FLNC):c.7072G>T (p.Glu2358Ter)

Genes: FLNC (filamin C; plus strand), FLNC-AS1 (FLNC antisense RNA 1; minus strand). Cytogenetic location: 7q32.1.
Variant type: single nucleotide variant.
Coding change: c.7072G>T on transcript NM_001458.5 (MANE Select); coding-DNA position 7072, G replaced by T.
Protein change: p.Glu2358Ter; replaces glutamic acid 2358 with a stop codon.
Molecular consequence: nonsense.
Genome position (GRCh38, 1-based): chr7:128,854,849, G>T. VCF-style: chr7-128854849-G-T. GRCh37 (hg19) VCF-style: chr7-128494903-G-T.
Other names: c.6973G>T, p.Glu2325Ter (NM_001127487.2); short protein forms E2325*, E2358*.
Identifiers: ClinVar variation 4853827 (VCV004853827.1).
Genomic context (GRCh38, chr7:128,854,849, plus strand): 5'-TGGACCCGGGAGGCTGGCGCTGGGGGCCTGTCCATTGCTGTGGAGGGTCCTAGCAAAGCG[G>T]AGATTGCATTTGAGGATCGCAAAGATGGCTCCTGCGGCGTCTCCTATGTCGTCCAGGAAC-3'

ClinVar aggregate classification (germline): Likely pathogenic (1 of 4 stars; one submission).

Conditions:
Hypertrophic cardiomyopathy 26. Also called: Cardiomyopathy, familial hypertrophic, 26. Identifiers: Orphanet 75249, MedGen C4310749, MONDO:0014883, OMIM 617047.

Submission:

Molecular Genetics Laboratory, Motol Hospital
Classification: Likely pathogenic for Hypertrophic cardiomyopathy 26. Last evaluated: 2026-05-30. Review status: criteria provided, single submitter. Criteria: ACMG Guidelines, 2015. Collection method: clinical testing. Allele origin: germline. Affected: yes. Observed: 1 variant allele.
Comment: A rare variant not present in non-Finnish European population (gnomAD v4.1.1) (PM2). Rare truncating variants in the FLNC gene are associated with multiple conditions, including autosomal dominant familial dilated cardiomyopathy (PVS1). The variant c.7072G>T is classified as likely pathogenic.

Literature cited by the submitters: PubMed 31245841; PubMed 34587765.